The following is an entry in ClinVar:

ClinVar aggregate classification (germline): Pathogenic (1 of 4 stars; one submission).

Conditions:
Congenital lactic acidosis, Saguenay-Lac-Saint-Jean type (MC4DN5). Also called: CYTOCHROME c OXIDASE DEFICIENCY, FRENCH CANADIAN TYPE; COX DEFICIENCY, FRENCH CANADIAN TYPE; MITOCHONDRIAL COMPLEX IV DEFICIENCY, NUCLEAR TYPE 5. Identifiers: Orphanet 70472, MedGen C1857355, MONDO:0009069, OMIM 220111.

Submission:

Myriad Genetics, Inc.
Classification: Pathogenic for Congenital lactic acidosis, Saguenay-Lac-Saint-Jean type. Last evaluated: 2023-09-27. Review status: criteria provided, single submitter. Criteria: Myriad Autosomal Dominant, Autosomal Recessive and X-Linked Classification Criteria (2023). Collection method: clinical testing. Allele origin: unknown.
Comment: NM_133259.3(LRPPRC):c.3352dupG(D1118Gfs*22) is expected to be pathogenic in the context of Leigh syndrome, French-Canadian type. This variant is predicted to lead to an abnormal or absent protein product due to the creation of a premature termination codon in LRPPRC, a gene where loss-of-function variants are known to be pathogenic. Please note: this variant was assessed in the context of healthy population screening.

NM_133259.4(LRPPRC):c.3352dup (p.Asp1118fs)

Gene: LRPPRC (leucine rich pentatricopeptide repeat containing; minus strand). Cytogenetic location: 2p21.
Variant type: Duplication.
Coding change: c.3352dup on transcript NM_133259.4 (MANE Select); coding-DNA position 3352, one base duplicated (G; older notation c.3352dupG).
Protein change: p.Asp1118fs; shifts the reading frame from aspartic acid 1118.
Molecular consequence: frameshift variant.
Genome position (GRCh38, 1-based): chr2:43,905,704, C duplicated on the plus strand (G on the coding strand, the reverse complement: LRPPRC is on the minus strand); the first of 3 consecutive C bases (chr2:43,905,704-43,905,706); duplicating any one gives the same sequence. VCF-style (leftmost placement, unchanged base first): chr2-43905703-T-TC. GRCh37 (hg19) VCF-style: chr2-44132842-T-TC.
Other names: short protein forms D1118fs.
Identifiers: ClinVar variation 5012321 (VCV005012321.1).